The following is an entry in ClinVar:

NM_001930.4(DHPS):c.484G>A (p.Gly162Arg)

Gene: DHPS (deoxyhypusine synthase; minus strand). Cytogenetic location: 19p13.13.
Variant type: single nucleotide variant.
Coding change: c.484G>A on transcript NM_001930.4 (MANE Select); coding-DNA position 484, G replaced by A.
Protein change: p.Gly162Arg; replaces glycine 162 with arginine.
Molecular consequence: missense variant. On other transcripts: 5 prime UTR variant (1), non-coding transcript variant (4).
Genome position (GRCh38, 1-based): chr19:12,679,811, C>T on the plus strand (G>A on the coding strand, the complement: DHPS is on the minus strand). VCF-style: chr19-12679811-C-T. GRCh37 (hg19) VCF-style: chr19-12790625-C-T.
Other names: c.484G>A (NM_001930.3); c.358G>A, p.Gly120Arg (NM_001206974.2); c.484G>A, p.Gly162Arg (NM_001369691.1, NM_001369692.1, NM_013406.3); c.-66G>A (NM_001369693.1); short protein forms G162R, G120R.
Identifiers: ClinVar variation 1448487 (VCV001448487.10), dbSNP rs758266512, ClinGen allele CA9227805.

ClinVar aggregate classification (germline): Uncertain significance. Review status: criteria provided, multiple submitters, no conflicts (2 of 4 stars). 3 submissions from 3 submitters: Uncertain significance (3). Last evaluated 2023-08-02.

Allele frequency attached by ClinVar (database versions not stated): ExAC 0.00001; gnomAD exomes 0.00001 and 0.00002; gnomAD 0.00002; TOPMed 0.00003.
gnomAD v4.1: 29 of 1,613,980 alleles (0.0018%); highest among the groups gnomAD compares: Middle Eastern, 0.033%; no homozygotes.

Submissions (3):

Labcorp Genetics (formerly Invitae), Labcorp
Classification: Uncertain significance. Last evaluated: 2023-08-02. Review status: criteria provided, single submitter. Criteria: Invitae Variant Classification Sherloc (09022015). Collection method: clinical testing. Allele origin: germline.
Comment: This sequence change replaces glycine, which is neutral and non-polar, with arginine, which is basic and polar, at codon 162 of the DHPS protein (p.Gly162Arg). This variant is present in population databases (rs758266512, gnomAD 0.002%). This variant has not been reported in the literature in individuals affected with DHPS-related conditions. ClinVar contains an entry for this variant (Variation ID: 1448487). Advanced modeling of protein sequence and biophysical properties (such as structural, functional, and spatial information, amino acid conservation, physicochemical variation, residue mobility, and thermodynamic stability) has been performed at Invitae for this missense variant, however the output from this modeling did not meet the statistical confidence thresholds required to predict the impact of this variant on DHPS protein function. In summary, the available evidence is currently insufficient to determine the role of this variant in disease. Therefore, it has been classified as a Variant of Uncertain Significance.

Ambry Genetics
Classification: Uncertain significance. Last evaluated: 2022-11-21. Review status: criteria provided, single submitter. Criteria: Ambry Variant Classification Scheme 2023. Collection method: clinical testing. Allele origin: germline.

Institute for Medical Genetics and Human Genetics, Charité - Universitätsmedizin Berlin
Classification: Uncertain significance. Review status: criteria provided, single submitter. Criteria: ACMG Guidelines, 2015. Collection method: not provided. Allele origin: germline. Inheritance: Autosomal recessive inheritance. Affected: yes.